The following is an entry in ClinVar:

ClinVar aggregate classification (germline): Likely benign (1 of 4 stars; one submission).

Allele frequency attached by ClinVar (database versions not stated): 1000 Genomes Project 0.00559; 1000 Genomes Project 30x 0.00609; gnomAD 0.00635 and 0.00689; TOPMed 0.00750.
gnomAD v4.1: 1,124 of 455,104 alleles (0.25%); highest among the groups gnomAD compares: African/African-American, 2.1%; 9 homozygotes.

Submission:

GeneDx
Classification: Likely benign. Last evaluated: 2018-06-19. Review status: criteria provided, single submitter. Criteria: GeneDx Variant Classification (06012015). Collection method: clinical testing. Allele origin: germline. Affected: yes.
Comment: This variant is considered likely benign or benign based on one or more of the following criteria: it is a conservative change, it occurs at a poorly conserved position in the protein, it is predicted to be benign by multiple in silico algorithms, and/or has population frequency not consistent with disease.

NM_000548.5(TSC2):c.599+327G>A

Gene: TSC2 (TSC complex subunit 2; plus strand). Cytogenetic location: 16p13.3.
Variant type: single nucleotide variant.
Coding change: c.599+327G>A on transcript NM_000548.5 (MANE Select); 327 bases into the intron after coding-DNA position 599, G replaced by A.
Molecular consequence: intron variant.
Genome position (GRCh38, 1-based): chr16:2,055,846, G>A. VCF-style: chr16-2055846-G-A. GRCh37 (hg19) VCF-style: chr16-2105847-G-A.
Other names: c.599+327G>A (NM_001114382.3, NM_021055.3, NM_001370405.1 and 3 more transcripts); c.488+327G>A (NM_001318827.2); c.-1-350G>A (NM_001318831.2); c.452+327G>A (NM_001318829.2); c.632+327G>A (NM_001318832.2).
Identifiers: ClinVar variation 668572 (VCV000668572.1), dbSNP rs28735816, ClinGen allele CA276772345.